The following is an entry in ClinVar:

NM_005215.4(DCC):c.2935+3A>T

Gene: DCC (DCC netrin 1 receptor; plus strand). Cytogenetic location: 18q21.2.
Variant type: single nucleotide variant.
Coding change: c.2935+3A>T on transcript NM_005215.4 (MANE Select); 3 bases into the intron after coding-DNA position 2935, A replaced by T.
Molecular consequence: intron variant.
Genome position (GRCh38, 1-based): chr18:53,402,896, A>T. VCF-style: chr18-53402896-A-T. GRCh37 (hg19) VCF-style: chr18-50929266-A-T.
Identifiers: ClinVar variation 4539925 (VCV004539925.1).

ClinVar aggregate classification (germline): Uncertain significance (1 of 4 stars; one submission).

Submission:

GeneDx
Classification: Uncertain significance. Last evaluated: 2025-06-27. Review status: criteria provided, single submitter. Criteria: GeneDx Variant Classification Process June 2021. Collection method: clinical testing. Allele origin: germline. Affected: yes.
Comment: Not observed at significant frequency in large population cohorts (gnomAD); In silico analysis supports a deleterious effect on splicing; Has not been previously published as pathogenic or benign to our knowledge